The following is an entry in ClinVar:

ClinVar aggregate classification (germline): Uncertain significance (1 of 4 stars; one submission).

Allele frequency attached by ClinVar (database versions not stated): gnomAD exomes below 0.00001; TOPMed below 0.00001; gnomAD 0.00001.
gnomAD v4.1: 2 of 1,209,284 alleles (0.00017%); highest among the groups gnomAD compares: African/African-American, 0.0017%; no homozygotes.

Submission:

GeneDx
Classification: Uncertain significance. Last evaluated: 2024-09-24. Review status: criteria provided, single submitter. Criteria: GeneDx Variant Classification Process June 2021. Collection method: clinical testing. Allele origin: germline. Affected: yes.
Comment: Identified in an individual with a neurodevelopmental disorder; however, segregation and detailed clinical information was not provided (PMID: 33004838); In silico analysis supports that this missense variant has a deleterious effect on protein structure/function; Not observed at significant frequency in large population cohorts (gnomAD); This variant is associated with the following publications: (PMID: 33004838)

NM_004606.5(TAF1):c.2464C>T (p.Arg822Trp)

Gene: TAF1 (TATA-box binding protein associated factor 1; plus strand). Cytogenetic location: Xq13.1.
Variant type: single nucleotide variant.
Coding change: c.2464C>T on transcript NM_004606.5 (MANE Select); coding-DNA position 2464, C replaced by T.
Protein change: p.Arg822Trp; replaces arginine 822 with tryptophan.
Molecular consequence: missense variant. On other transcripts: non-coding transcript variant (9).
Genome position (GRCh38, 1-based): chrX:71,388,273, C>T. VCF-style: chrX-71388273-C-T. GRCh37 (hg19) VCF-style: chrX-70608123-C-T.
Other names: c.2464C>T, p.Arg822Trp (NM_001286074.2); c.2401C>T, p.Arg801Trp (NM_138923.4); short protein forms R801W, R822W.
Identifiers: ClinVar variation 1810119 (VCV001810119.2), dbSNP rs1310583782, ClinGen allele CA413520788.